The following is an entry in ClinVar:

ClinVar aggregate classification (germline): Uncertain significance. Review status: criteria provided, multiple submitters, no conflicts (2 of 4 stars). 2 submissions from 2 submitters: Uncertain significance (2). Last evaluated 2025-06-03.

Conditions:
Inborn genetic diseases. Identifiers: MedGen C0950123, MeSH D030342.
Leukocyte adhesion deficiency 1 (LAD1). Also called: LEUKOCYTE ADHESION DEFICIENCY, TYPE I; LAD 1; Lymphocyte function-associated antigen 1 immunodeficiency; LFA 1 immunodeficiency. Identifiers: Orphanet 2968, Orphanet 99842, MedGen C0398738, MONDO:0007293, OMIM 116920.

Allele frequency attached by ClinVar (database versions not stated): gnomAD 0.00001; gnomAD exomes 0.00004; TOPMed 0.00004; ExAC 0.00005; ESP Exome Variant Server 0.00008.

Submissions (2):

Ambry Genetics
Classification: Uncertain significance for Inborn genetic diseases. Last evaluated: 2025-06-03. Review status: criteria provided, single submitter. Criteria: Ambry Variant Classification Scheme 2023. Collection method: clinical testing. Allele origin: germline.

Labcorp Genetics (formerly Invitae), Labcorp
Classification: Uncertain significance for Leukocyte adhesion deficiency 1. Last evaluated: 2022-02-18. Review status: criteria provided, single submitter. Criteria: Invitae Variant Classification Sherloc (09022015). Collection method: clinical testing. Allele origin: germline.
Comment: Algorithms developed to predict the effect of missense changes on protein structure and function (SIFT, PolyPhen-2, Align-GVGD) all suggest that this variant is likely to be disruptive. In summary, the available evidence is currently insufficient to determine the role of this variant in disease. Therefore, it has been classified as a Variant of Uncertain Significance. This variant has not been reported in the literature in individuals affected with ITGB2-related conditions. This variant is present in population databases (rs141195302, gnomAD 0.02%). This sequence change replaces alanine, which is neutral and non-polar, with threonine, which is neutral and polar, at codon 244 of the ITGB2 protein (p.Ala244Thr).

NM_000211.5(ITGB2):c.730G>A (p.Ala244Thr)

Gene: ITGB2 (integrin subunit beta 2; minus strand). Cytogenetic location: 21q22.3.
Variant type: single nucleotide variant.
Coding change: c.730G>A on transcript NM_000211.5 (MANE Select); coding-DNA position 730, G replaced by A.
Protein change: p.Ala244Thr; replaces alanine 244 with threonine.
Molecular consequence: missense variant.
Genome position (GRCh38, 1-based): chr21:44,901,503, C>T on the plus strand (G>A on the coding strand, the complement: ITGB2 is on the minus strand). VCF-style: chr21-44901503-C-T. GRCh37 (hg19) VCF-style: chr21-46321418-C-T.
Other names: c.730G>A, p.Ala244Thr (NM_001127491.3); c.523G>A, p.Ala175Thr (NM_001303238.2); short protein forms A175T, A244T.
Identifiers: ClinVar variation 1980685 (VCV001980685.4), dbSNP rs141195302, ClinGen allele CA10063126.